The following is an entry in ClinVar:

ClinVar aggregate classification (germline): Pathogenic/Likely pathogenic. Review status: criteria provided, multiple submitters, no conflicts (2 of 4 stars). 2 submissions from 2 submitters: Pathogenic (1); Likely pathogenic (1). Last evaluated 2022-10-25.

Conditions:
Early-infantile DEE. Also called: Early infantile epileptic encephalopathy; Early infantile epileptic encephalopathy with suppression bursts; Ohtahara syndrome. Identifiers: Orphanet 1934, MedGen C0393706, MONDO:0800491.

Allele frequency attached by ClinVar (database versions not stated): gnomAD exomes below 0.00001 and 0.00001; ExAC 0.00001; gnomAD 0.00001; TOPMed 0.00001.
gnomAD v4.1: 2 of 1,614,042 alleles (0.00012%); highest among the groups gnomAD compares: African/African-American, 0.0027%; no homozygotes.

Submissions (2):

GeneDx
Classification: Likely pathogenic. Last evaluated: 2022-10-25. Review status: criteria provided, single submitter. Criteria: GeneDx Variant Classification Process June 2021. Collection method: clinical testing. Allele origin: germline. Affected: yes.
Comment: Missense variants in this gene are often considered pathogenic (HGMD); This substitution is predicted to be within the transmembrane segment S5 of the second homologous domain; In silico analysis supports that this missense variant does not alter protein structure/function; Not observed at a significant frequency in large population cohorts (gnomAD); This variant is associated with the following publications: (PMID: 22780858, 18930999, 23195492, 28186331)

Labcorp Genetics (formerly Invitae), Labcorp
Classification: Pathogenic for Early-infantile DEE. Last evaluated: 2022-07-19. Review status: criteria provided, single submitter. Criteria: Invitae Variant Classification Sherloc (09022015). Collection method: clinical testing. Allele origin: germline.
Comment: This sequence change replaces valine, which is neutral and non-polar, with isoleucine, which is neutral and non-polar, at codon 896 of the SCN1A protein (p.Val896Ile). This variant is present in population databases (rs745378416, gnomAD 0.0009%). Advanced modeling of protein sequence and biophysical properties (such as structural, functional, and spatial information, amino acid conservation, physicochemical variation, residue mobility, and thermodynamic stability) performed at Invitae indicates that this missense variant is expected to disrupt SCN1A protein function. This variant disrupts the p.Val896 amino acid residue in SCN1A. Other variant(s) that disrupt this residue have been determined to be pathogenic (PMID: 18930999, 23195492). This suggests that this residue is clinically significant, and that variants that disrupt this residue are likely to be disease-causing. This missense change has been observed in individual(s) with SCN1A-related conditions (PMID: 22780858, 23195492, 28186331). ClinVar contains an entry for this variant (Variation ID: 801804). For these reasons, this variant has been classified as Pathogenic.

Literature cited by the submitters: PubMed 18930999 (cited by Labcorp Genetics (formerly Invitae), Labcorp); PubMed 23195492 (cited by Labcorp Genetics (formerly Invitae), Labcorp); PubMed 22780858 (cited by Labcorp Genetics (formerly Invitae), Labcorp); PubMed 28186331 (cited by Labcorp Genetics (formerly Invitae), Labcorp).

NM_001165963.4(SCN1A):c.2686G>A (p.Val896Ile)

Gene: SCN1A (sodium voltage-gated channel alpha subunit 1; minus strand). Cytogenetic location: 2q24.3.
Variant type: single nucleotide variant.
Coding change: c.2686G>A on transcript NM_001165963.4 (MANE Select); coding-DNA position 2686, G replaced by A.
Protein change: p.Val896Ile; replaces valine 896 with isoleucine.
Molecular consequence: missense variant. On other transcripts: non-coding transcript variant (1).
Genome position (GRCh38, 1-based): chr2:166,038,036, C>T on the plus strand (G>A on the coding strand, the complement: SCN1A is on the minus strand). VCF-style: chr2-166038036-C-T. GRCh37 (hg19) VCF-style: chr2-166894546-C-T.
Other names: c.2602G>A, p.Val868Ile (NM_001165964.3, NM_001353957.2, NM_001353958.2); c.2686G>A, p.Val896Ile (NM_001202435.3, NM_001353948.2); c.2653G>A, p.Val885Ile (NM_001353949.2, NM_001353950.2, NM_001353951.2 and 2 more transcripts); c.2650G>A, p.Val884Ile (NM_001353954.2, NM_001353955.2); c.2599G>A, p.Val867Ile (NM_001353960.2); c.244G>A, p.Val82Ile (NM_001353961.2); short protein forms V896I, V867I, V82I, V868I, V884I, V885I.
Identifiers: ClinVar variation 801804 (VCV000801804.13), dbSNP rs745378416, ClinGen allele CA1943057.